The following is an entry in ClinVar:

ClinVar aggregate classification (germline): Uncertain significance (1 of 4 stars; one submission).

Conditions:
Developmental and epileptic encephalopathy, 53. Also called: Epileptic encephalopathy, early infantile, 53. Identifiers: MedGen C4479313, MONDO:0033362, OMIM 617389.
Early-onset Parkinson disease 20. Also called: PARKINSON DISEASE 20, AUTOSOMAL RECESSIVE EARLY-ONSET. Identifiers: Orphanet 391411, MedGen C3809824, MONDO:0014233, OMIM 615530.

Submission:

Labcorp Genetics (formerly Invitae), Labcorp
Classification: Uncertain significance for Developmental and epileptic encephalopathy, 53; Early-onset Parkinson disease 20. Last evaluated: 2022-08-15. Review status: criteria provided, single submitter. Criteria: Invitae Variant Classification Sherloc (09022015). Collection method: clinical testing. Allele origin: germline.
Comment: This variant has not been reported in the literature in individuals affected with SYNJ1-related conditions. In summary, the available evidence is currently insufficient to determine the role of this variant in disease. Therefore, it has been classified as a Variant of Uncertain Significance. Algorithms developed to predict the effect of missense changes on protein structure and function are either unavailable or do not agree on the potential impact of this missense change (SIFT: "Deleterious"; PolyPhen-2: "Probably Damaging"; Align-GVGD: "Class C0"). This variant is not present in population databases (gnomAD no frequency). This sequence change replaces alanine, which is neutral and non-polar, with valine, which is neutral and non-polar, at codon 484 of the SYNJ1 protein (p.Ala484Val).

NM_203446.3(SYNJ1):c.1334C>T (p.Ala445Val)

Gene: SYNJ1 (synaptojanin 1; minus strand). Cytogenetic location: 21q22.11.
Variant type: single nucleotide variant.
Coding change: c.1334C>T on transcript NM_203446.3 (MANE Select); coding-DNA position 1334, C replaced by T.
Protein change: p.Ala445Val; replaces alanine 445 with valine.
Molecular consequence: missense variant.
Genome position (GRCh38, 1-based): chr21:32,681,515, G>A on the plus strand (C>T on the coding strand, the complement: SYNJ1 is on the minus strand). VCF-style: chr21-32681515-G-A. GRCh37 (hg19) VCF-style: chr21-34053825-G-A.
Other names: c.1334C>T, p.Ala445Val (NM_001160302.2, NM_001160306.2); c.1451C>T, p.Ala484Val (NM_003895.4); short protein forms A445V, A484V.
Identifiers: ClinVar variation 1946645 (VCV001946645.5), dbSNP rs2516716527, ClinGen allele CA410089716.